The following is an entry in ClinVar:

ClinVar aggregate classification (germline): Pathogenic/Likely pathogenic. Review status: criteria provided, multiple submitters, no conflicts (2 of 4 stars). 5 submissions from 5 submitters: Pathogenic (2); Likely pathogenic (2). 1 of the submissions does not count toward it. Last evaluated 2025-11-04.

Conditions:
COL4A5-related disorder. Also called: COL4A5-related condition.
X-linked Alport syndrome (ATS1). Also called: COL4A5-Related Nephropathy; NEPHROPATHY AND DEAFNESS, X-LINKED. Identifiers: Orphanet 63, Orphanet 88917, MedGen C4746986, MONDO:0010520, OMIM 301050.

Allele frequency attached by ClinVar (database versions not stated): gnomAD exomes 0.00001 and below 0.00001; ExAC 0.00001.
gnomAD v4.1: 1 of 1,197,050 alleles (0.000084%); highest among the groups gnomAD compares: African/African-American, 0.0017%; no homozygotes.

Submissions (5):

Labcorp Genetics (formerly Invitae), Labcorp
Classification: Likely pathogenic. Last evaluated: 2025-11-04. Review status: criteria provided, single submitter. Criteria: Invitae Variant Classification Sherloc (09022015). Collection method: clinical testing. Allele origin: germline.
Comment: This sequence change affects an acceptor splice site in intron 30 of the COL4A5 gene. It is expected to disrupt RNA splicing. Variants that disrupt the donor or acceptor splice site typically lead to a loss of protein function (PMID: 16199547), and loss-of-function variants in COL4A5 are known to be pathogenic (PMID: 9195222, 10752524, 14514738, 24854265, 26809805). This variant is present in population databases (rs760109866, gnomAD 0.008%). Disruption of this splice site has been observed in individual(s) with clinical features of Alport syndrome (PMID: 30586318, 36553470; internal data). ClinVar contains an entry for this variant (Variation ID: 562406). Algorithms developed to predict the effect of sequence changes on RNA splicing suggest that this variant may disrupt the consensus splice site. In summary, the currently available evidence indicates that the variant is pathogenic, but additional data are needed to prove that conclusively. Therefore, this variant has been classified as Likely Pathogenic.

PreventionGenetics, part of Exact Sciences
Classification: Pathogenic for COL4A5-related condition. Last evaluated: 2025-10-06. Review status: criteria provided, single submitter. Criteria: ACMG Guidelines, 2015. Collection method: clinical testing. Allele origin: germline.
Comment: The COL4A5 c.2510-2A>G variant is predicted to disrupt the AG splice acceptor site and interfere with normal splicing. This variant has been reported in individuals with Alport syndrome (Table S7, Groopman et al. 2019. PubMed ID: 30586318; Table 2. Hadjipanagi et al. 2022. PubMed ID: 36553470). This variant is reported in 0.0076% of alleles in individuals of African descent in gnomAD. Variants that disrupt the consensus splice acceptor site in COL4A5 are expected to be pathogenic. This variant is interpreted as pathogenic.

Mayo Clinic Laboratories, Mayo Clinic
Classification: Pathogenic. Last evaluated: 2025-04-17. Review status: criteria provided, single submitter. Criteria: ACMG Guidelines, 2015. Collection method: clinical testing. Allele origin: germline. Observed: 1 variant allele.
Comment: PP1_strong, PM2_supporting, PVS1

Fulgent Genetics
Classification: Likely pathogenic for X-linked Alport syndrome. Last evaluated: 2024-01-03. Review status: criteria provided, single submitter. Criteria: ACMG Guidelines, 2015. Collection method: clinical testing. Allele origin: germline.

Gharavi Laboratory, Columbia University
Classification: Pathogenic. Last evaluated: 2018-09-16. Review status: no assertion criteria provided. Criteria: ACMG Guidelines, 2015. Collection method: research. Allele origin: germline. Affected: yes. Not counted in ClinVar's aggregate classification.

Literature cited by the submitters: PubMed 16199547 (cited by Labcorp Genetics (formerly Invitae), Labcorp); PubMed 9195222 (cited by Labcorp Genetics (formerly Invitae), Labcorp); PubMed 10752524 (cited by Labcorp Genetics (formerly Invitae), Labcorp); PubMed 14514738 (cited by Labcorp Genetics (formerly Invitae), Labcorp); PubMed 24854265 (cited by Labcorp Genetics (formerly Invitae), Labcorp); PubMed 26809805 (cited by Labcorp Genetics (formerly Invitae), Labcorp); PubMed 30586318 (cited by Labcorp Genetics (formerly Invitae), Labcorp and Mayo Clinic Laboratories, Mayo Clinic); PubMed 36553470 (cited by Labcorp Genetics (formerly Invitae), Labcorp and Mayo Clinic Laboratories, Mayo Clinic); PubMed 39540369 (cited by Mayo Clinic Laboratories, Mayo Clinic).

NM_033380.3(COL4A5):c.2510-2A>G

Gene: COL4A5 (collagen type IV alpha 5 chain; plus strand). Cytogenetic location: Xq22.3.
Variant type: single nucleotide variant.
Coding change: c.2510-2A>G on transcript NM_033380.3 (MANE Select); the canonical splice acceptor site of the intron before coding-DNA position 2510, A replaced by G.
Molecular consequence: splice acceptor variant.
Genome position (GRCh38, 1-based): chrX:108,620,257, A>G. VCF-style: chrX-108620257-A-G. GRCh37 (hg19) VCF-style: chrX-107863487-A-G.
Other names: c.2510-2A>G (NM_000495.4, NM_000495.5).
Identifiers: ClinVar variation 562406 (VCV000562406.11), dbSNP rs760109866, ClinGen allele CA10488937.